The following is an entry in ClinVar:

NM_001267550.2(TTN):c.87394_87396del (p.Ile29132del)

Genes: TTN (titin; minus strand), TTN-AS1 (TTN antisense RNA 1; plus strand). Cytogenetic location: 2q31.2.
Variant type: Deletion.
Coding change: c.87394_87396del on transcript NM_001267550.2 (MANE Select); coding-DNA positions 87394 to 87396, 3 bases deleted (ATT; older notation c.87394_87396delATT).
Protein change: p.Ile29132del; deletes isoleucine 29132.
Molecular consequence: inframe deletion.
Genome position (GRCh38, 1-based): chr2:178,557,958-178,557,960, AAT deleted on the plus strand (ATT on the coding strand, the reverse complement: TTN is on the minus strand). VCF-style (leftmost placement, unchanged base first): chr2-178557957-CAAT-C. GRCh37 (hg19) VCF-style: chr2-179422684-CAAT-C.
Other names: c.60199_60201del, p.Ile20067del (NM_003319.4); c.79690_79692del, p.Ile26564del (NM_133378.4); c.60574_60576del, p.Ile20192del (NM_133432.3); c.60775_60777del, p.Ile20259del (NM_133437.4); c.60199_60201delATT (NM_003319.4); c.82471_82473del, p.Ile27491del (NM_001256850.1); short protein forms I29132del, I26564del, I20192del, I20259del, I20067del, I27491del.
Identifiers: ClinVar variation 1751101 (VCV001751101.2), dbSNP rs2469551688, ClinGen allele CA2577170558.

ClinVar aggregate classification (germline): Uncertain significance (1 of 4 stars; one submission).

Conditions:
Cardiovascular phenotype. Identifiers: MedGen CN230736.

Allele frequency attached by ClinVar (database versions not stated): gnomAD exomes below 0.00001.

Submission:

Ambry Genetics
Classification: Uncertain significance for Cardiovascular phenotype. Last evaluated: 2022-06-30. Review status: criteria provided, single submitter. Criteria: Ambry Variant Classification Scheme 2023. Collection method: clinical testing. Allele origin: germline.
Comment: The c.60199_60201delATT variant (also known as p.I20067del) is located in coding exon 155 of the TTN gene. This variant results from an in-frame ATT deletion at nucleotide positions 60199 to 60201. This results in the in-frame deletion of an isoleucine at codon 20067. This amino acid position is well conserved in available vertebrate species. In addition, this alteration is predicted to be deleterious by in silico analysis (Choi Y et al. PLoS ONE. 2012; 7(10):e46688). Since supporting evidence is limited at this time, the clinical significance of this alteration remains unclear.